The following is an entry in ClinVar:

ClinVar aggregate classification (germline): Uncertain significance (1 of 4 stars; one submission).

gnomAD v4.1: 1 of 1,614,158 alleles (0.000062%); highest among the groups gnomAD compares: Non-Finnish European, 0.000085%; no homozygotes.

Submission:

Labcorp Genetics (formerly Invitae), Labcorp
Classification: Uncertain significance. Last evaluated: 2025-12-02. Review status: criteria provided, single submitter. Criteria: Invitae Variant Classification Sherloc (09022015). Collection method: clinical testing. Allele origin: germline.
Comment: This sequence change replaces leucine, which is neutral and non-polar, with proline, which is neutral and non-polar, at codon 297 of the CYP27B1 protein (p.Leu297Pro). This variant is not present in population databases (gnomAD no frequency). This variant has not been reported in the literature in individuals affected with CYP27B1-related conditions. Invitae Evidence Modeling of protein sequence and biophysical properties (such as structural, functional, and spatial information, amino acid conservation, physicochemical variation, residue mobility, and thermodynamic stability) indicates that this missense variant is expected to disrupt CYP27B1 protein function with a positive predictive value of 80%. In summary, the available evidence is currently insufficient to determine the role of this variant in disease. Therefore, it has been classified as a Variant of Uncertain Significance.

NM_000785.4(CYP27B1):c.890T>C (p.Leu297Pro)

Gene: CYP27B1 (cytochrome P450 family 27 subfamily B member 1; minus strand). Cytogenetic location: 12q14.1.
Variant type: single nucleotide variant.
Coding change: c.890T>C on transcript NM_000785.4 (MANE Select); coding-DNA position 890, T replaced by C.
Protein change: p.Leu297Pro; replaces leucine 297 with proline.
Molecular consequence: missense variant.
Genome position (GRCh38, 1-based): chr12:57,764,827, A>G on the plus strand (T>C on the coding strand, the complement: CYP27B1 is on the minus strand). VCF-style: chr12-57764827-A-G. GRCh37 (hg19) VCF-style: chr12-58158610-A-G.
Other names: short protein forms L297P.
Identifiers: ClinVar variation 4737590 (VCV004737590.1).
Genomic context (GRCh38, chr12:57,764,827, plus strand): 5'-GCCAATAGCAACTCTGTCACATTTCCCAGGATGGACTGGGCAGGCAACTCTTCCCGGAAC[A>G]GGAAGTGGGTCAGGTGCGCCCCAGACTCCAGGTCCTTCTCGGGCTGTCCTCCGTTCCTCA-3'
Protein context (NP_000776.1, residues 287-307): LESGAHLTHF[Leu297Pro]FREELPAQSI